The following is an entry in ClinVar:

NM_000465.4(BARD1):c.1382G>T (p.Gly461Val)

Gene: BARD1 (BRCA1 associated RING domain 1; minus strand). Cytogenetic location: 2q35.
Variant type: single nucleotide variant.
Coding change: c.1382G>T on transcript NM_000465.4 (MANE Select); coding-DNA position 1382, G replaced by T.
Protein change: p.Gly461Val; replaces glycine 461 with valine.
Molecular consequence: missense variant. On other transcripts: non-coding transcript variant (3), intron variant (3).
Genome position (GRCh38, 1-based): chr2:214,769,245, C>A on the plus strand (G>T on the coding strand, the complement: BARD1 is on the minus strand). VCF-style: chr2-214769245-C-A. GRCh37 (hg19) VCF-style: chr2-215633969-C-A.
Other names: c.1325G>T, p.Gly442Val (NM_001282543.2); c.159-16690G>T (NM_001282548.2); c.216-16690G>T (NM_001282545.2); c.364+23052G>T (NM_001282549.2); short protein forms G442V, G461V.
Identifiers: ClinVar variation 850789 (VCV000850789.10), dbSNP rs1694358968, ClinGen allele CA350450132.

ClinVar aggregate classification (germline): Uncertain significance (1 of 4 stars; one submission).

Conditions:
Familial cancer of breast. Also called: BREAST CANCER, FAMILIAL; Hereditary breast cancer; hereditary breast carcinoma. Identifiers: Orphanet 227535, MedGen C0346153, MONDO:0016419, OMIM 114480. Disease mechanism: loss of function.

gnomAD v4.1: 1 of 1,612,452 alleles (0.000062%); no homozygotes.

Submission:

Labcorp Genetics (formerly Invitae), Labcorp
Classification: Uncertain significance for Familial cancer of breast. Last evaluated: 2024-02-17. Review status: criteria provided, single submitter. Criteria: Invitae Variant Classification Sherloc (09022015). Collection method: clinical testing. Allele origin: germline.
Comment: This sequence change replaces glycine, which is neutral and non-polar, with valine, which is neutral and non-polar, at codon 461 of the BARD1 protein (p.Gly461Val). This variant is not present in population databases (gnomAD no frequency). This variant has not been reported in the literature in individuals affected with BARD1-related conditions. ClinVar contains an entry for this variant (Variation ID: 850789). An algorithm developed to predict the effect of missense changes on protein structure and function (PolyPhen-2) suggests that this variant is likely to be disruptive. In summary, the available evidence is currently insufficient to determine the role of this variant in disease. Therefore, it has been classified as a Variant of Uncertain Significance.